The following is an entry in ClinVar:

NM_000238.4(KCNH2):c.2796C>T (p.Ser932=)

Gene: KCNH2 (potassium voltage-gated channel subfamily H member 2; minus strand). Cytogenetic location: 7q36.1.
Variant type: single nucleotide variant.
Coding change: c.2796C>T on transcript NM_000238.4 (MANE Select); coding-DNA position 2796, C replaced by T.
Protein change: p.Ser932=; no amino-acid change (serine 932 retained).
Molecular consequence: synonymous variant.
Genome position (GRCh38, 1-based): chr7:150,947,775, G>A on the plus strand (C>T on the coding strand, the complement: KCNH2 is on the minus strand). VCF-style: chr7-150947775-G-A. GRCh37 (hg19) VCF-style: chr7-150644863-G-A.
Other names: c.2508C>T, p.Ser836= (NM_001406753.1); c.1776C>T, p.Ser592= (NM_172057.3).
Identifiers: ClinVar variation 2995483 (VCV002995483.4), dbSNP rs1267658847, ClinGen allele CA458871124.

ClinVar aggregate classification (germline): Conflicting classifications of pathogenicity. Review status: criteria provided, conflicting classifications (1 of 4 stars). 2 submissions from 2 submitters: Uncertain significance (1); Likely benign (1). Last evaluated 2023-07-08.

Conditions:
Long QT syndrome (LQTS). Identifiers: MedGen C0023976, MeSH D008133, MONDO:0002442. Disease mechanism: loss of function. Inheritance: Various modes of inheritance.

Allele frequency attached by ClinVar (database versions not stated): gnomAD 0.00001.

Submissions (2):

Labcorp Genetics (formerly Invitae), Labcorp
Classification: Likely benign for Long QT syndrome. Last evaluated: 2023-07-08. Review status: criteria provided, single submitter. Criteria: Invitae Variant Classification Sherloc (09022015). Collection method: clinical testing. Allele origin: germline.

All of Us Research Program, National Institutes of Health
Classification: Uncertain significance for Long QT syndrome. Last evaluated: 2023-04-10. Review status: criteria provided, single submitter. Criteria: ACMG Guidelines, 2015. Collection method: clinical testing. Allele origin: germline. Inheritance: Autosomal dominant inheritance. Observed: 1 variant allele, 1 heterozygote.
Comment: This variant is located in the KCNH2 protein. To our knowledge, functional studies have not been reported for this variant. This variant has not been reported in individuals affected with KCNH2-related disorders in the literature. This variant has been identified in 1/31298 chromosomes in the general population by the Genome Aggregation Database (gnomAD). The available evidence is insufficient to determine the role of this variant in disease conclusively. Therefore, this variant is classified as a Variant of Uncertain Significance.

This study involves interpretation of variants in research participants for the purpose of population health screening. Participant phenotype was not available at the time of variant classification. Additional details can be found in publication PMID: 35346344, PMCID: PMC8962531